The following is an entry in ClinVar:

ClinVar aggregate classification (germline): Conflicting classifications of pathogenicity. Review status: criteria provided, conflicting classifications (1 of 4 stars). 2 submissions from 2 submitters: Uncertain significance (1); Likely benign (1). Last evaluated 2026-07-01.

Conditions:
Hereditary cancer-predisposing syndrome. Also called: Hereditary Cancer Syndrome; Neoplastic Syndromes, Hereditary; Hereditary neoplastic syndrome; Tumor predisposition. Identifiers: Orphanet 140162, MedGen C0027672, MeSH D009386, MONDO:0015356.
Familial adenomatous polyposis 2. Also called: FAP type 2; Adenomas, multiple colorectal; MYH-associated polyposis; MUTYH-associated polyposis; MUTYH-related attenuated familial adenomatous polyposis; COLORECTAL ADENOMATOUS POLYPOSIS, AUTOSOMAL RECESSIVE. Identifiers: Orphanet 220460, Orphanet 247798, MedGen C3272841, MONDO:0012041, OMIM 608456.

Submissions (2):

Ambry Genetics
Classification: Likely benign for Hereditary cancer-predisposing syndrome. Last evaluated: 2026-07-01. Review status: criteria provided, single submitter. Criteria: Ambry Variant Classification Scheme 2023. Collection method: clinical testing. Allele origin: germline.

Labcorp Genetics (formerly Invitae), Labcorp
Classification: Uncertain significance for Familial adenomatous polyposis 2. Last evaluated: 2023-05-02. Review status: criteria provided, single submitter. Criteria: Invitae Variant Classification Sherloc (09022015). Collection method: clinical testing. Allele origin: germline.
Comment: ClinVar contains an entry for this variant (Variation ID: 1368818). In summary, the available evidence is currently insufficient to determine the role of this variant in disease. Therefore, it has been classified as a Variant of Uncertain Significance. An algorithm developed to predict the effect of missense changes on protein structure and function (PolyPhen-2) suggests that this variant is likely to be tolerated. This variant has not been reported in the literature in individuals affected with MUTYH-related conditions. This variant is not present in population databases (gnomAD no frequency). This sequence change replaces glutamic acid, which is acidic and polar, with lysine, which is basic and polar, at codon 441 of the MUTYH protein (p.Glu441Lys).

NM_001048174.2(MUTYH):c.1237G>A (p.Glu413Lys)

Gene: MUTYH (mutY DNA glycosylase; minus strand). Cytogenetic location: 1p34.1.
Variant type: single nucleotide variant.
Coding change: c.1237G>A on transcript NM_001048174.2 (MANE Select); coding-DNA position 1237, G replaced by A.
Protein change: p.Glu413Lys; replaces glutamic acid 413 with lysine.
Molecular consequence: missense variant. On other transcripts: non-coding transcript variant (2).
Genome position (GRCh38, 1-based): chr1:45,331,422, C>T on the plus strand (G>A on the coding strand, the complement: MUTYH is on the minus strand). VCF-style: chr1-45331422-C-T. GRCh37 (hg19) VCF-style: chr1-45797094-C-T.
Other names: c.1237G>A, p.Glu413Lys (NM_001048171.2, NM_001048173.2, NM_001293195.2); c.1240G>A, p.Glu414Lys (NM_001048172.2); c.1321G>A, p.Glu441Lys (NM_001128425.2); c.1282G>A, p.Glu428Lys (NM_001293190.2); c.1270G>A, p.Glu424Lys (NM_001293191.2); c.961G>A, p.Glu321Lys (NM_001293192.2, NM_001293196.2); c.892G>A, p.Glu298Lys (NM_001350650.2, NM_001350651.2); c.1312G>A, p.Glu438Lys (NM_012222.3); and 1 more; short protein forms E424K, E298K, E321K, E413K, E438K, E441K, E414K, E428K.
Identifiers: ClinVar variation 1368818 (VCV001368818.9), dbSNP rs2149117001, ClinGen allele CA340132829.